The following is an entry in ClinVar:

NM_017934.7(PHIP):c.2991G>C (p.Glu997Asp)

Genes: IRAK1BP1 (interleukin 1 receptor associated kinase 1 binding protein 1; plus strand), PHIP (PHIP subunit of CUL4-Ring ligase complex; minus strand). Cytogenetic location: 6q14.1.
Variant type: single nucleotide variant.
Coding change: c.2991G>C on transcript NM_017934.7 (MANE Select); coding-DNA position 2991, G replaced by C.
Protein change: p.Glu997Asp; replaces glutamic acid 997 with aspartic acid.
Molecular consequence: missense variant.
Genome position (GRCh38, 1-based): chr6:78,970,787, C>G on the plus strand (G>C on the coding strand, the complement: PHIP is on the minus strand). VCF-style: chr6-78970787-C-G. GRCh37 (hg19) VCF-style: chr6-79680504-C-G.
Other names: short protein forms E997D.
Identifiers: ClinVar variation 2813677 (VCV002813677.3), dbSNP rs1368023481, ClinGen allele CA364648101.

ClinVar aggregate classification (germline): Uncertain significance (1 of 4 stars; one submission).

Submission:

Labcorp Genetics (formerly Invitae), Labcorp
Classification: Uncertain significance. Last evaluated: 2024-05-26. Review status: criteria provided, single submitter. Criteria: Invitae Variant Classification Sherloc (09022015). Collection method: clinical testing. Allele origin: germline.
Comment: This sequence change replaces glutamic acid, which is acidic and polar, with aspartic acid, which is acidic and polar, at codon 997 of the PHIP protein (p.Glu997Asp). This variant is not present in population databases (gnomAD no frequency). This variant has not been reported in the literature in individuals affected with PHIP-related conditions. Experimental studies and prediction algorithms are not available or were not evaluated, and the functional significance of this variant is currently unknown. In summary, the available evidence is currently insufficient to determine the role of this variant in disease. Therefore, it has been classified as a Variant of Uncertain Significance.